The following is an entry in ClinVar:

NM_001348768.2(HECW2):c.1996G>A (p.Ala666Thr)

Gene: HECW2 (HECT, C2 and WW domain containing E3 ubiquitin protein ligase 2; minus strand). Cytogenetic location: 2q32.3.
Variant type: single nucleotide variant.
Coding change: c.1996G>A on transcript NM_001348768.2 (MANE Select); coding-DNA position 1996, G replaced by A.
Protein change: p.Ala666Thr; replaces alanine 666 with threonine.
Molecular consequence: missense variant.
Genome position (GRCh38, 1-based): chr2:196,318,894, C>T on the plus strand (G>A on the coding strand, the complement: HECW2 is on the minus strand). VCF-style: chr2-196318894-C-T. GRCh37 (hg19) VCF-style: chr2-197183618-C-T.
Other names: c.928G>A, p.Ala310Thr (NM_001304840.3); c.1996G>A, p.Ala666Thr (NM_020760.4); short protein forms A310T, A666T.
Identifiers: ClinVar variation 2227835 (VCV002227835.2), dbSNP rs545975891, ClinGen allele CA2038220.

ClinVar aggregate classification (germline): Uncertain significance (1 of 4 stars; one submission).

Conditions:
Inborn genetic diseases. Identifiers: MedGen C0950123, MeSH D030342.

Allele frequency attached by ClinVar (database versions not stated): TOPMed 0.00001; ExAC 0.00003; 1000 Genomes Project 30x 0.00016; 1000 Genomes Project 0.00020.
gnomAD v4.1: 18 of 1,562,718 alleles (0.0012%); highest among the groups gnomAD compares: South Asian, 0.0024%; no homozygotes.

Submission:

Ambry Genetics
Classification: Uncertain significance for Inborn genetic diseases. Last evaluated: 2020-10-14. Review status: criteria provided, single submitter. Criteria: Ambry Variant Classification Scheme 2023. Collection method: clinical testing. Allele origin: germline.
Comment: The c.1996G>A (p.A666T) alteration is located in exon 9 (coding exon 8) of the HECW2 gene. This alteration results from a G to A substitution at nucleotide position 1996, causing the alanine (A) at amino acid position 666 to be replaced by a threonine (T). Based on data from the Genome Aggregation Database (gnomAD) database, the HECW2 c.1996G>A alteration was observed in 0.0014% (3/210320) of total alleles studied. This amino acid position is highly conserved in available vertebrate species. The p.A666T alteration is predicted to be tolerated by in silico analysis. Based on insufficient or conflicting evidence, the clinical significance of this alteration remains unclear.